The following is an entry in ClinVar:

NM_020232.5(PSMG2):c.459T>A (p.Asn153Lys)

Gene: PSMG2 (proteasome assembly chaperone 2; plus strand). Cytogenetic location: 18p11.21.
Variant type: single nucleotide variant.
Coding change: c.459T>A on transcript NM_020232.5 (MANE Select); coding-DNA position 459, T replaced by A.
Protein change: p.Asn153Lys; replaces asparagine 153 with lysine.
Molecular consequence: missense variant.
Genome position (GRCh38, 1-based): chr18:12,720,561, T>A. VCF-style: chr18-12720561-T-A. GRCh37 (hg19) VCF-style: chr18-12720560-T-A.
Other names: c.366T>A, p.Asn122Lys (NM_147163.2); short protein forms N122K, N153K.
Identifiers: ClinVar variation 2816026 (VCV002816026.3), dbSNP rs1395139595, ClinGen allele CA401968294.
Genomic context (GRCh38, chr18:12,720,561, plus strand): 5'-TATTTCTAGTACTCCCTTCCGGTACCTACTTACACCTTCCATGCAAAAAAGTGTTCAAAA[T>A]AAAATAAAGAGCCTTAACTGGGAAGAAATGGAAAAAAGCCGGTGCATTCCTGAAATAGAT-3'
Protein context (NP_064617.2, residues 143-163): LTPSMQKSVQ[Asn153Lys]KIKSLNWEEM

ClinVar aggregate classification (germline): Uncertain significance (1 of 4 stars; one submission).

Allele frequency attached by ClinVar (database versions not stated): TOPMed below 0.00001; gnomAD 0.00001.
gnomAD v4.1: 1 of 1,612,542 alleles (0.000062%); highest among the groups gnomAD compares: Non-Finnish European, 0.000085%; no homozygotes.

Submission:

Labcorp Genetics (formerly Invitae), Labcorp
Classification: Uncertain significance. Last evaluated: 2022-11-23. Review status: criteria provided, single submitter. Criteria: Invitae Variant Classification Sherloc (09022015). Collection method: clinical testing. Allele origin: germline.
Comment: In summary, the available evidence is currently insufficient to determine the role of this variant in disease. Therefore, it has been classified as a Variant of Uncertain Significance. Algorithms developed to predict the effect of missense changes on protein structure and function (SIFT, PolyPhen-2, Align-GVGD) all suggest that this variant is likely to be tolerated. This variant has not been reported in the literature in individuals affected with PSMG2-related conditions. This variant is not present in population databases (gnomAD no frequency). This sequence change replaces asparagine, which is neutral and polar, with lysine, which is basic and polar, at codon 153 of the PSMG2 protein (p.Asn153Lys).